The following is an entry in ClinVar:

NM_014915.3(ANKRD26):c.-135A>G

Gene: ANKRD26 (ankyrin repeat domain 26; minus strand). Cytogenetic location: 10p12.1.
Variant type: single nucleotide variant.
Coding change: c.-135A>G on transcript NM_014915.3 (MANE Select); 135 bases upstream of the start codon, A replaced by G.
Molecular consequence: 5 prime UTR variant.
Genome position (GRCh38, 1-based): chr10:27,100,461, T>C on the plus strand (A>G on the coding strand, the complement: ANKRD26 is on the minus strand). VCF-style: chr10-27100461-T-C. GRCh37 (hg19) VCF-style: chr10-27389390-T-C.
Other names: c.-135A>G (NM_001256053.2).
Identifiers: ClinVar variation 3029759 (VCV003029759.5), dbSNP rs373811579, ClinGen allele CA663342979.

ClinVar aggregate classification (germline): Uncertain significance. Review status: criteria provided, multiple submitters, no conflicts (2 of 4 stars). 2 submissions from 2 submitters: Uncertain significance (2). Last evaluated 2025-06-22.

Conditions:
ANKRD26-related disorder. Also called: ANKRD26-related condition.

gnomAD v4.1: 3 of 1,331,856 alleles (0.00023%); highest among the groups gnomAD compares: African/African-American, 0.0015%; no homozygotes.

Submissions (2):

Labcorp Genetics (formerly Invitae), Labcorp
Classification: Uncertain significance. Last evaluated: 2025-06-22. Review status: criteria provided, single submitter. Criteria: Invitae Variant Classification Sherloc (09022015). Collection method: clinical testing. Allele origin: germline.
Comment: This variant occurs in a non-coding region of the ANKRD26 gene. It does not change the encoded amino acid sequence of the ANKRD26 protein. This variant is not present in population databases (gnomAD no frequency). This variant has not been reported in the literature in individuals affected with ANKRD26-related conditions. ClinVar contains an entry for this variant (Variation ID: 3029759). In summary, the available evidence is currently insufficient to determine the role of this variant in disease. Therefore, it has been classified as a Variant of Uncertain Significance.

PreventionGenetics, part of Exact Sciences
Classification: Uncertain significance for ANKRD26-related condition. Last evaluated: 2025-01-02. Review status: criteria provided, single submitter. Criteria: ACMG Guidelines, 2015. Collection method: clinical testing. Allele origin: germline.